The following is an entry in ClinVar:

ClinVar aggregate classification (germline): Conflicting classifications of pathogenicity. Review status: criteria provided, conflicting classifications (1 of 4 stars). 4 submissions from 4 submitters: Uncertain significance (2); Likely benign (1). 1 of the submissions does not count toward it. Last evaluated 2023-03-23.

Conditions:
Hereditary cancer-predisposing syndrome. Also called: Neoplastic Syndromes, Hereditary; Tumor predisposition; Hereditary Cancer Syndrome; Hereditary neoplastic syndrome. Identifiers: Orphanet 140162, MedGen C0027672, MeSH D009386, MONDO:0015356.
Hereditary breast ovarian cancer syndrome. Also called: Hereditary breast and ovarian cancer syndrome; Hereditary breast and ovarian cancer; Hereditary breast and ovarian cancer syndrome (HBOC); Breast and ovarian cancer; Hereditary breast and/or ovarian cancer syndrome; BRCA1- and BRCA2-Associated Hereditary Breast and Ovarian Cancer. Identifiers: Orphanet 145, MedGen C0677776, MeSH D061325, MONDO:0003582. Disease mechanism: loss of function.
Breast-ovarian cancer, familial, susceptibility to, 2 (BROVCA2). Also called: BRCA2 Hereditary Breast and Ovarian Cancer. Identifiers: Orphanet 145, MedGen C2675520, MONDO:0012933, OMIM 612555. Disease mechanism: loss of function.

Submissions (4):

University of Washington Department of Laboratory Medicine, University of Washington
Classification: Likely benign for Hereditary cancer-predisposing syndrome. Last evaluated: 2023-03-23. Review status: criteria provided, single submitter. Criteria: Dines et al. (Genet Med. 2020). Collection method: curation. Allele origin: germline.
Comment: Missense variant in a coldspot region where missense variants are very unlikely to be pathogenic (PMID:31911673).

BRCA2 exon 11 coldspot. Reclassification based on statistical prior probability.

Labcorp Genetics (formerly Invitae), Labcorp
Classification: Uncertain significance for Hereditary breast ovarian cancer syndrome. Last evaluated: 2022-08-12. Review status: criteria provided, single submitter. Criteria: Invitae Variant Classification Sherloc (09022015). Collection method: clinical testing. Allele origin: germline.
Comment: This sequence change replaces phenylalanine, which is neutral and non-polar, with leucine, which is neutral and non-polar, at codon 1219 of the BRCA2 protein (p.Phe1219Leu). This variant is not present in population databases (gnomAD no frequency). This missense change has been observed in individual(s) with clinical features of BRCA2-related conditions (PMID: 10923033). ClinVar contains an entry for this variant (Variation ID: 51500). Advanced modeling of protein sequence and biophysical properties (such as structural, functional, and spatial information, amino acid conservation, physicochemical variation, residue mobility, and thermodynamic stability) performed at Invitae indicates that this missense variant is not expected to disrupt BRCA2 protein function. Experimental studies have shown that this missense change affects BRCA2 function (PMID: 19747923). In summary, the available evidence is currently insufficient to determine the role of this variant in disease. Therefore, it has been classified as a Variant of Uncertain Significance.

Ambry Genetics
Classification: Uncertain significance for Hereditary cancer-predisposing syndrome. Last evaluated: 2022-08-10. Review status: criteria provided, single submitter. Criteria: Ambry Variant Classification Scheme 2023. Collection method: clinical testing. Allele origin: germline.
Comment: The p.F1219L variant (also known as c.3655T>C), located in coding exon 10 of the BRCA2 gene, results from a T to C substitution at nucleotide position 3655. The phenylalanine at codon 1219 is replaced by leucine, an amino acid with highly similar properties. This amino acid position is highly conserved in available vertebrate species. In addition, this alteration is predicted to be deleterious by in silico analysis. Since supporting evidence is limited at this time, the clinical significance of this alteration remains unclear.

Breast Cancer Information Core (BIC) (BRCA2)
Classification: Uncertain significance for Breast-ovarian cancer, familial 2. Last evaluated: 2001-10-29. Review status: no assertion criteria provided. Collection method: clinical testing. Allele origin: germline. Affected: yes. Observed: 1 variant allele. Not counted in ClinVar's aggregate classification.

Literature cited by the submitters: PubMed 10923033 (cited by Labcorp Genetics (formerly Invitae), Labcorp); PubMed 19747923 (cited by Labcorp Genetics (formerly Invitae), Labcorp).

NM_000059.4(BRCA2):c.3655T>C (p.Phe1219Leu)

Gene: BRCA2 (BRCA2 DNA repair associated; plus strand). Cytogenetic location: 13q13.1.
Variant type: single nucleotide variant.
Coding change: c.3655T>C on transcript NM_000059.4 (MANE Select); coding-DNA position 3655, T replaced by C.
Protein change: p.Phe1219Leu; replaces phenylalanine 1219 with leucine.
Molecular consequence: missense variant.
Genome position (GRCh38, 1-based): chr13:32,338,010, T>C. VCF-style: chr13-32338010-T-C. GRCh37 (hg19) VCF-style: chr13-32912147-T-C.
Other names: short protein forms F1219L.
Identifiers: ClinVar variation 51500 (VCV000051500.14), dbSNP rs80358610, ClinGen allele CA018474.